The following is an entry in ClinVar:

ClinVar aggregate classification (germline): Uncertain significance (0 of 4 stars; one submission).

Conditions:
IL2RG-related disorder. Also called: IL2RG-related condition.

Submission:

PreventionGenetics, part of Exact Sciences
Classification: Uncertain significance for IL2RG-related condition. Last evaluated: 2024-06-18. Review status: no assertion criteria provided. Collection method: clinical testing. Allele origin: germline.
Comment: The IL2RG c.226A>T variant is predicted to result in the amino acid substitution p.Ser76Cys. To our knowledge, this variant has not been reported in the literature or in a large population database, indicating this variant is rare. At this time, the clinical significance of this variant is uncertain due to the absence of conclusive functional and genetic evidence.

NM_000206.3(IL2RG):c.226A>T (p.Ser76Cys)

Gene: IL2RG (interleukin 2 receptor subunit gamma; minus strand). Cytogenetic location: Xq13.1.
Variant type: single nucleotide variant.
Coding change: c.226A>T on transcript NM_000206.3 (MANE Select); coding-DNA position 226, A replaced by T.
Protein change: p.Ser76Cys; replaces serine 76 with cysteine.
Molecular consequence: missense variant.
Genome position (GRCh38, 1-based): chrX:71,110,940, T>A on the plus strand (A>T on the coding strand, the complement: IL2RG is on the minus strand). VCF-style: chrX-71110940-T-A. GRCh37 (hg19) VCF-style: chrX-70330790-T-A.
Other names: short protein forms S76C.
Identifiers: ClinVar variation 3345228 (VCV003345228.1).